The following is an entry in ClinVar:

NM_014844.5(TECPR2):c.1314G>C (p.Gln438His)

Gene: TECPR2 (tectonin beta-propeller repeat containing 2; plus strand). Cytogenetic location: 14q32.31.
Variant type: single nucleotide variant.
Coding change: c.1314G>C on transcript NM_014844.5 (MANE Select); coding-DNA position 1314, G replaced by C.
Protein change: p.Gln438His; replaces glutamine 438 with histidine.
Molecular consequence: missense variant.
Genome position (GRCh38, 1-based): chr14:102,432,025, G>C. VCF-style: chr14-102432025-G-C. GRCh37 (hg19) VCF-style: chr14-102898362-G-C.
Other names: c.1314G>C, p.Gln438His (NM_001172631.3); short protein forms Q438H.
Identifiers: ClinVar variation 844902 (VCV000844902.10), dbSNP rs1889509080, ClinGen allele CA391055573.

ClinVar aggregate classification (germline): Uncertain significance (1 of 4 stars; one submission).

Conditions:
Hereditary spastic paraplegia 49 (HSAN9). Also called: NEUROPATHY, HEREDITARY SENSORY AND AUTONOMIC, TYPE IX, WITH DEVELOPMENTAL DELAY; Spastic paraplegia 49, autosomal recessive; TECPR2-Related Hereditary Sensory and Autonomic Neuropathy with Intellectual Disability. Identifiers: Orphanet 320385, MedGen C5190860, MONDO:0014016, OMIM 615031.

Submission:

Labcorp Genetics (formerly Invitae), Labcorp
Classification: Uncertain significance for Hereditary spastic paraplegia 49. Last evaluated: 2020-02-10. Review status: criteria provided, single submitter. Criteria: Invitae Variant Classification Sherloc (09022015). Collection method: clinical testing. Allele origin: germline.
Comment: In summary, the available evidence is currently insufficient to determine the role of this variant in disease. Therefore, it has been classified as a Variant of Uncertain Significance. Algorithms developed to predict the effect of missense changes on protein structure and function (SIFT, PolyPhen-2, Align-GVGD) all suggest that this variant is likely to be tolerated, but these predictions have not been confirmed by published functional studies and their clinical significance is uncertain. This variant has not been reported in the literature in individuals with TECPR2-related disease. This variant is not present in population databases (ExAC no frequency). This sequence change replaces glutamine with histidine at codon 438 of the TECPR2 protein (p.Gln438His). The glutamine residue is weakly conserved and there is a small physicochemical difference between glutamine and histidine.